The following is an entry in ClinVar:

ClinVar aggregate classification (germline): Benign/Likely benign. Review status: criteria provided, multiple submitters, no conflicts (2 of 4 stars). 7 submissions from 7 submitters: Benign (2); Likely benign (5). Last evaluated 2025-12-29.

Conditions:
MET-related disorder. Also called: MET-related condition.
Renal cell carcinoma. Identifiers: Orphanet 217071, MedGen C0007134, MeSH D002292, MONDO:0005086, HP:0005584.
Hereditary cancer-predisposing syndrome. Also called: Neoplastic Syndromes, Hereditary; Tumor predisposition; Hereditary Cancer Syndrome; Hereditary neoplastic syndrome. Identifiers: Orphanet 140162, MedGen C0027672, MeSH D009386, MONDO:0015356.

Allele frequency attached by ClinVar (database versions not stated): TOPMed 0.00002; gnomAD 0.00005 and 0.00009; gnomAD exomes 0.00016; ExAC 0.00022; 1000 Genomes Project 0.00060; 1000 Genomes Project 30x 0.00062.
gnomAD v4.1: 147 of 1,613,976 alleles (0.0091%); highest among the groups gnomAD compares: South Asian, 0.14%; no homozygotes.

Submissions (7):

Center for Genomic Medicine, Rigshospitalet, Copenhagen University Hospital
Classification: Likely benign. Last evaluated: 2025-12-29. Review status: criteria provided, single submitter. Criteria: ACMG Guidelines, 2015. Collection method: clinical testing. Allele origin: germline.

Labcorp Genetics (formerly Invitae), Labcorp
Classification: Benign for Renal cell carcinoma. Last evaluated: 2025-12-03. Review status: criteria provided, single submitter. Criteria: Invitae Variant Classification Sherloc (09022015). Collection method: clinical testing. Allele origin: germline.

PreventionGenetics, part of Exact Sciences
Classification: Likely benign for MET-related condition. Last evaluated: 2024-11-04. Review status: criteria provided, single submitter. Criteria: ACMG Guidelines, 2015. Collection method: clinical testing. Allele origin: germline.
Comment: This variant is classified as likely benign based on ACMG/AMP sequence variant interpretation guidelines (Richards et al. 2015 PMID: 25741868, with internal and published modifications).

Mendelics
Classification: Benign for Renal cell carcinoma. Last evaluated: 2023-08-22. Review status: criteria provided, single submitter. Criteria: Mendelics Assertion Criteria 2019. Collection method: clinical testing. Allele origin: germline.

Blueprint Genetics
Classification: Likely benign. Last evaluated: 2022-11-22. Review status: criteria provided, single submitter. Criteria: ACMG Guidelines, 2015. Collection method: clinical testing. Allele origin: germline.

GeneDx
Classification: Likely benign. Last evaluated: 2020-11-12. Review status: criteria provided, single submitter. Criteria: GeneDx Variant Classification Process June 2021. Collection method: clinical testing. Allele origin: germline. Affected: yes.

Ambry Genetics
Classification: Likely benign for Hereditary cancer-predisposing syndrome. Last evaluated: 2020-03-27. Review status: criteria provided, single submitter. Criteria: Ambry Variant Classification Scheme 2023. Collection method: clinical testing. Allele origin: germline.

NM_000245.4(MET):c.789G>A (p.Thr263=)

Gene: MET (MET proto-oncogene, receptor tyrosine kinase; plus strand). Cytogenetic location: 7q31.2.
Variant type: single nucleotide variant.
Coding change: c.789G>A on transcript NM_000245.4 (MANE Select); coding-DNA position 789, G replaced by A.
Protein change: p.Thr263=; no amino-acid change (threonine 263 retained).
Molecular consequence: synonymous variant. On other transcripts: intron variant (1).
Genome position (GRCh38, 1-based): chr7:116,699,873, G>A. VCF-style: chr7-116699873-G-A. GRCh37 (hg19) VCF-style: chr7-116339927-G-A.
Other names: c.789G>A (NM_001127500.2); c.789G>A, p.Thr263= (NM_001127500.3, NM_001324401.3); c.-91+27296G>A (NM_001324402.2).
Identifiers: ClinVar variation 135977 (VCV000135977.22), dbSNP rs554190225, ClinGen allele CA332698.